The following is an entry in ClinVar:

ClinVar aggregate classification (germline): Uncertain significance (1 of 4 stars; one submission).

Submission:

Ambry Genetics
Classification: Uncertain significance. Last evaluated: 2025-12-30. Review status: criteria provided, single submitter. Criteria: Ambry Variant Classification Scheme 2023. Collection method: clinical testing. Allele origin: germline.
Comment: The p.H589Q variant (also known as c.1767C>A), located in coding exon 2 of the CDK12 gene, results from a C to A substitution at nucleotide position 1767. The histidine at codon 589 is replaced by glutamine, an amino acid with highly similar properties. This amino acid position is conserved. In addition, this alteration is predicted to be tolerated by in silico analysis. Based on the available evidence, the clinical significance of this variant remains unclear.

NM_016507.4(CDK12):c.1767C>A (p.His589Gln)

Gene: CDK12 (cyclin dependent kinase 12; plus strand). Cytogenetic location: 17q12.
Variant type: single nucleotide variant.
Coding change: c.1767C>A on transcript NM_016507.4 (MANE Select); coding-DNA position 1767, C replaced by A.
Protein change: p.His589Gln; replaces histidine 589 with glutamine.
Molecular consequence: missense variant.
Genome position (GRCh38, 1-based): chr17:39,471,599, C>A. VCF-style: chr17-39471599-C-A. GRCh37 (hg19) VCF-style: chr17-37627852-C-A.
Other names: c.1767C>A, p.His589Gln (NM_015083.4); short protein forms H589Q.
Identifiers: ClinVar variation 4841693 (VCV004841693.1).